The following is an entry in ClinVar:

NM_000368.5(TSC1):c.95A>G (p.Asn32Ser)

Gene: TSC1 (TSC complex subunit 1; minus strand). Cytogenetic location: 9q34.13.
Variant type: single nucleotide variant.
Coding change: c.95A>G on transcript NM_000368.5 (MANE Select); coding-DNA position 95, A replaced by G.
Protein change: p.Asn32Ser; replaces asparagine 32 with serine.
Molecular consequence: missense variant. On other transcripts: 5 prime UTR variant (1).
Genome position (GRCh38, 1-based): chr9:132,928,778, T>C on the plus strand (A>G on the coding strand, the complement: TSC1 is on the minus strand). VCF-style: chr9-132928778-T-C. GRCh37 (hg19) VCF-style: chr9-135804165-T-C.
Other names: c.95A>G, p.Asn32Ser (NM_001162426.2, NM_001162427.2); c.-165A>G (NM_001362177.2); c.95A>G (NM_000368.4); short protein forms N32S.
Identifiers: ClinVar variation 1037152 (VCV001037152.12), dbSNP rs1222555421, ClinGen allele CA375375276.

ClinVar aggregate classification (germline): Uncertain significance. Review status: criteria provided, multiple submitters, no conflicts (2 of 4 stars). 3 submissions from 3 submitters: Uncertain significance (3). Last evaluated 2026-01-20.

Conditions:
Tuberous sclerosis syndrome (TSC). Also called: Tuberous sclerosis; Tuberous Sclerosis Complex. Identifiers: Orphanet 805, MedGen C0041341, MONDO:0001734.
Tuberous sclerosis 1 (TSC1). Identifiers: Orphanet 805, MedGen C1854465, MONDO:0008612, OMIM 191100.
Hereditary cancer-predisposing syndrome. Also called: Neoplastic Syndromes, Hereditary; Hereditary Cancer Syndrome; Tumor predisposition; Hereditary neoplastic syndrome. Identifiers: Orphanet 140162, MedGen C0027672, MeSH D009386, MONDO:0015356.

Allele frequency attached by ClinVar (database versions not stated): TOPMed below 0.00001; gnomAD 0.00001.
gnomAD v4.1: 1 of 1,614,150 alleles (0.000062%); highest among the groups gnomAD compares: Middle Eastern, 0.016%; no homozygotes.

Submissions (3):

Labcorp Genetics (formerly Invitae), Labcorp
Classification: Uncertain significance for Tuberous sclerosis 1. Last evaluated: 2026-01-20. Review status: criteria provided, single submitter. Criteria: Invitae Variant Classification Sherloc (09022015). Collection method: clinical testing. Allele origin: germline.
Comment: This sequence change replaces asparagine, which is neutral and polar, with serine, which is neutral and polar, at codon 32 of the TSC1 protein (p.Asn32Ser). This variant is not present in population databases (gnomAD no frequency). This variant has not been reported in the literature in individuals affected with TSC1-related conditions. ClinVar contains an entry for this variant (Variation ID: 1037152). Invitae Evidence Modeling of protein sequence and biophysical properties (such as structural, functional, and spatial information, amino acid conservation, physicochemical variation, residue mobility, and thermodynamic stability) indicates that this missense variant is not expected to disrupt TSC1 protein function with a negative predictive value of 95%. In summary, the available evidence is currently insufficient to determine the role of this variant in disease. Therefore, it has been classified as a Variant of Uncertain Significance.

Ambry Genetics
Classification: Uncertain significance for Hereditary cancer-predisposing syndrome. Last evaluated: 2025-12-06. Review status: criteria provided, single submitter. Criteria: Ambry Variant Classification Scheme 2023. Collection method: clinical testing. Allele origin: germline.
Comment: The p.N32S variant (also known as c.95A>G), located in coding exon 1 of the TSC1 gene, results from an A to G substitution at nucleotide position 95. The asparagine at codon 32 is replaced by serine, an amino acid with highly similar properties. This amino acid position is conserved. In addition, this alteration is predicted to be tolerated by in silico analysis. Since supporting evidence is limited at this time, the clinical significance of this alteration remains unclear.

All of Us Research Program, National Institutes of Health
Classification: Uncertain significance for Tuberous sclerosis syndrome. Last evaluated: 2023-08-15. Review status: criteria provided, single submitter. Criteria: ACMG Guidelines, 2015. Collection method: clinical testing. Allele origin: germline. Inheritance: Autosomal dominant inheritance. Observed: 1 variant allele, 1 heterozygote.
Comment: This study involves interpretation of variants in research participants for the purpose of population health screening. Participant phenotype was not available at the time of variant classification. Additional details can be found in publication PMID: 35346344, PMCID: PMC8962531